The following is an entry in ClinVar:

NM_005144.5(HR):c.3068C>G (p.Pro1023Arg)

Gene: HR (HR lysine demethylase and nuclear receptor corepressor; minus strand). Cytogenetic location: 8p21.3.
Variant type: single nucleotide variant.
Coding change: c.3068C>G on transcript NM_005144.5 (MANE Select); coding-DNA position 3068, C replaced by G.
Protein change: p.Pro1023Arg; replaces proline 1023 with arginine.
Molecular consequence: missense variant.
Genome position (GRCh38, 1-based): chr8:22,119,193, G>C on the plus strand (C>G on the coding strand, the complement: HR is on the minus strand). VCF-style: chr8-22119193-G-C. GRCh37 (hg19) VCF-style: chr8-21976706-G-C.
Other names: c.3068C>G, p.Pro1023Arg (NM_018411.4); short protein forms P1023R.
Identifiers: ClinVar variation 2403595 (VCV002403595.3), dbSNP rs138162168, ClinGen allele CA4661914.
Genomic context (GRCh38, chr8:22,119,193, plus strand): 5'-TCCCCGCTCCTGCCTCTGGCCGAGGACCTACCTTTCTGTGCCCGGTGCCAGGCAGGCAGT[G>C]GTGTGTCGGCATGCACCAGGATGCTGACCAGGTCGGCCACCTCCACACAGAGGTTCTTGG-3'
Protein context (NP_005135.2, residues 1013-1033): LVSILVHADT[Pro1023Arg]LPAWHRAQKD

ClinVar aggregate classification (germline): Uncertain significance. Review status: criteria provided, multiple submitters, no conflicts (2 of 4 stars). 2 submissions from 2 submitters: Uncertain significance (2). Last evaluated 2025-03-31.

Conditions:
Inborn genetic diseases. Identifiers: MedGen C0950123, MeSH D030342.

Allele frequency attached by ClinVar (database versions not stated): gnomAD exomes 0.00002; ExAC 0.00004; ESP Exome Variant Server 0.00008; gnomAD 0.00022; TOPMed 0.00028.
gnomAD v4.1: 67 of 1,613,776 alleles (0.0042%); highest among the groups gnomAD compares: African/African-American, 0.079%; no homozygotes.

Submissions (2):

Labcorp Genetics (formerly Invitae), Labcorp
Classification: Uncertain significance. Last evaluated: 2025-03-31. Review status: criteria provided, single submitter. Criteria: Invitae Variant Classification Sherloc (09022015). Collection method: clinical testing. Allele origin: germline.
Comment: This sequence change replaces proline, which is neutral and non-polar, with arginine, which is basic and polar, at codon 1023 of the HR protein (p.Pro1023Arg). This variant is present in population databases (rs138162168, gnomAD 0.07%). This variant has not been reported in the literature in individuals affected with HR-related conditions. ClinVar contains an entry for this variant (Variation ID: 2403595). An algorithm developed to predict the effect of missense changes on protein structure and function (PolyPhen-2) suggests that this variant is likely to be tolerated. In summary, the available evidence is currently insufficient to determine the role of this variant in disease. Therefore, it has been classified as a Variant of Uncertain Significance.

Ambry Genetics
Classification: Uncertain significance for Inborn genetic diseases. Last evaluated: 2021-07-09. Review status: criteria provided, single submitter. Criteria: Ambry Variant Classification Scheme 2023. Collection method: clinical testing. Allele origin: germline.